The following is an entry in ClinVar:

ClinVar aggregate classification (germline): Uncertain significance (1 of 4 stars; one submission).

Submission:

Labcorp Genetics (formerly Invitae), Labcorp
Classification: Uncertain significance. Last evaluated: 2022-02-01. Review status: criteria provided, single submitter. Criteria: Invitae Variant Classification Sherloc (09022015). Collection method: clinical testing. Allele origin: germline.
Comment: In summary, the available evidence is currently insufficient to determine the role of this variant in disease. Therefore, it has been classified as a Variant of Uncertain Significance. Algorithms developed to predict the effect of missense changes on protein structure and function output the following: SIFT: "Tolerated"; PolyPhen-2: "Benign"; Align-GVGD: "Class C0". The leucine amino acid residue is found in multiple mammalian species, which suggests that this missense change does not adversely affect protein function. This variant has not been reported in the literature in individuals affected with AGBL5-related conditions. This variant is not present in population databases (gnomAD no frequency). This sequence change replaces phenylalanine, which is neutral and non-polar, with leucine, which is neutral and non-polar, at codon 873 of the AGBL5 protein (p.Phe873Leu).

NM_021831.6(AGBL5):c.2619T>G (p.Phe873Leu)

Gene: AGBL5 (AGBL carboxypeptidase 5; plus strand). Cytogenetic location: 2p23.3.
Variant type: single nucleotide variant.
Coding change: c.2619T>G on transcript NM_021831.6 (MANE Select); coding-DNA position 2619, T replaced by G.
Protein change: p.Phe873Leu; replaces phenylalanine 873 with leucine.
Molecular consequence: missense variant. On other transcripts: non-coding transcript variant (2).
Genome position (GRCh38, 1-based): chr2:27,070,221, T>G. VCF-style: chr2-27070221-T-G. GRCh37 (hg19) VCF-style: chr2-27293089-T-G.
Other names: c.2619T>G, p.Phe873Leu (NM_001035506.1); short protein forms F873L.
Identifiers: ClinVar variation 2091452 (VCV002091452.4), dbSNP rs2465564741, ClinGen allele CA346143315.
Genomic context (GRCh38, chr2:27,070,221, plus strand): 5'-TGACTCCCCATCCTGGAATTGTTACAGCAGGGGTCCCTTGGGCCAACCTGAGGTTTGTTT[T>G]GTCCCTAAATCTCCCCCACTGACTGTTTCTCCCCGGGTCTGATAATGCCTTTATGTTCAA-3'
Protein context (NP_068603.4, residues 863-883): RGPLGQPEVC[Phe873Leu]VPKSPPLTVS